The following is an entry in ClinVar:

GRCh37/hg19 18q23(chr18:74241380-78013620)x1

Genes: SLC66A2 (solute carrier family 66 member 2; minus strand), TXNL4A (thioredoxin like 4A; minus strand), ZNF236 (zinc finger protein 236; plus strand), NFATC1 (nuclear factor of activated T cells 1; plus strand), PARD6G (par-6 family cell polarity regulator gamma; minus strand) and 11 more. Cytogenetic location: 18q23.
Variant type: copy number loss.
Change: copy number 1 (one copy instead of two) of chr18:74,241,380-78,013,620 (3.77 Mb, GRCh37 coordinates, 1-based), cytogenetic band 18q23.
Identifiers: ClinVar variation 202227 (VCV000202227.4).

ClinVar aggregate classification (germline): Pathogenic (1 of 4 stars; one submission).

Submission:

Cytogenetics Laboratory, University of Washington
Classification: Pathogenic. Last evaluated: 2015-02-11. Review status: criteria provided, single submitter. Criteria: UW Cytogenetics and Genomics Laboratory Policy on CNV Interpretation (5/6/2015). Collection method: clinical testing. Allele origin: unknown. Affected: yes. Observed: 1 variant allele.